The following is an entry in ClinVar:

NM_176787.5(PIGN):c.1417G>A (p.Val473Ile)

Gene: PIGN (phosphatidylinositol glycan anchor biosynthesis class N; minus strand). Cytogenetic location: 18q21.33.
Variant type: single nucleotide variant.
Coding change: c.1417G>A on transcript NM_176787.5 (MANE Select); coding-DNA position 1417, G replaced by A.
Protein change: p.Val473Ile; replaces valine 473 with isoleucine.
Molecular consequence: missense variant.
Genome position (GRCh38, 1-based): chr18:62,113,151, C>T on the plus strand (G>A on the coding strand, the complement: PIGN is on the minus strand). VCF-style: chr18-62113151-C-T. GRCh37 (hg19) VCF-style: chr18-59780384-C-T.
Other names: c.1417G>A, p.Val473Ile (NM_012327.6); short protein forms V473I.
Identifiers: ClinVar variation 951519 (VCV000951519.9), dbSNP rs2034946066, ClinGen allele CA402605689.

ClinVar aggregate classification (germline): Uncertain significance. Review status: criteria provided, multiple submitters, no conflicts (2 of 4 stars). 2 submissions from 2 submitters: Uncertain significance (2). Last evaluated 2019-08-22.

Conditions:
Multiple congenital anomalies-hypotonia-seizures syndrome 1 (MCAHS1). Also called: PIGN-CDG; Congenital disorder of glycosylation due to PIGN deficiency; GLYCOSYLPHOSPHATIDYLINOSITOL BIOSYNTHESIS DEFECT 3. Identifiers: Orphanet 280633, MedGen C3279775, MONDO:0013563, OMIM 614080.

Allele frequency attached by ClinVar (database versions not stated): gnomAD exomes below 0.00001.
gnomAD v4.1: 1 of 1,608,742 alleles (0.000062%); highest among the groups gnomAD compares: Non-Finnish European, 0.000085%; no homozygotes.

Submissions (2):

GeneDx
Classification: Uncertain significance. Last evaluated: 2019-08-22. Review status: criteria provided, single submitter. Criteria: GeneDx Variant Classification Process June 2021. Collection method: clinical testing. Allele origin: germline. Affected: yes.
Comment: Not observed in large population cohorts (Lek et al., 2016); In silico analysis, which includes protein predictors and evolutionary conservation, supports that this variant does not alter protein structure/function; In silico analysis, which includes splice predictors and evolutionary conservation, suggests this variant may impact gene splicing. In the absence of RNA/functional studies, the actual effect of this sequence change is unknown; Has not been previously published as pathogenic or benign to our knowledge

Labcorp Genetics (formerly Invitae), Labcorp
Classification: Uncertain significance for Multiple congenital anomalies-hypotonia-seizures syndrome 1. Last evaluated: 2019-04-27. Review status: criteria provided, single submitter. Criteria: Invitae Variant Classification Sherloc (09022015). Collection method: clinical testing. Allele origin: germline.
Comment: In summary, the available evidence is currently insufficient to determine the role of this variant in disease. Therefore, it has been classified as a Variant of Uncertain Significance. This sequence change replaces valine with isoleucine at codon 473 of the PIGN protein (p.Val473Ile). The valine residue is weakly conserved and there is a small physicochemical difference between valine and isoleucine. This variant is not present in population databases (ExAC no frequency). This variant has not been reported in the literature in individuals with PIGN-related conditions. Algorithms developed to predict the effect of missense changes on protein structure and function output the following: SIFT: "Tolerated"; PolyPhen-2: "Benign"; Align-GVGD: "Class C0". The isoleucine amino acid residue is found in multiple mammalian species, suggesting that this missense change does not adversely affect protein function. These predictions have not been confirmed by published functional studies and their clinical significance is uncertain.